The following is an entry in ClinVar:

ClinVar aggregate classification (germline): Uncertain significance (1 of 4 stars; one submission).

Submission:

GeneDx
Classification: Uncertain significance. Last evaluated: 2019-09-21. Review status: criteria provided, single submitter. Criteria: GeneDx Variant Classification Process June 2021. Collection method: clinical testing. Allele origin: germline. Affected: yes.
Comment: Not observed in large population cohorts (Lek et al., 2016); In silico analysis, which includes protein predictors and evolutionary conservation, supports that this variant does not alter protein structure/function; Has not been previously published as pathogenic or benign to our knowledge

NM_006015.6(ARID1A):c.433C>T (p.Pro145Ser)

Gene: ARID1A (AT-rich interaction domain 1A; plus strand). Cytogenetic location: 1p36.11.
Variant type: single nucleotide variant.
Coding change: c.433C>T on transcript NM_006015.6 (MANE Select); coding-DNA position 433, C replaced by T.
Protein change: p.Pro145Ser; replaces proline 145 with serine.
Molecular consequence: missense variant.
Genome position (GRCh38, 1-based): chr1:26,696,836, C>T. VCF-style: chr1-26696836-C-T. GRCh37 (hg19) VCF-style: chr1-27023327-C-T.
Other names: c.433C>T, p.Pro145Ser (NM_139135.4); short protein forms P145S.
Identifiers: ClinVar variation 1312376 (VCV001312376.2), dbSNP rs2124741815, ClinGen allele CA339265192.
Genomic context (GRCh38, chr1:26,696,836, plus strand): 5'-GGTGGCGGCAGCAGCGATGGGGTGGGGGCGCCTCCTCACTCAGCCGCGGCCGCCTTGCCG[C>T]CCCCAGCCTACGGCTTCGGGCAACCCTACGGCCGGAGCCCGTCTGCCGTCGCCGCCGCCG-3'
Protein context (NP_006006.3, residues 135-155): PPHSAAAALP[Pro145Ser]PAYGFGQPYG